The following is an entry in ClinVar:

ClinVar aggregate classification (germline): Uncertain significance (1 of 4 stars; one submission).

Allele frequency attached by ClinVar (database versions not stated): ExAC 0.00002; gnomAD 0.00004; TOPMed 0.00014.
gnomAD v4.1: 45 of 1,613,728 alleles (0.0028%); highest among the groups gnomAD compares: Admixed American, 0.017%; no homozygotes.

Submission:

GeneDx
Classification: Uncertain significance. Last evaluated: 2023-04-28. Review status: criteria provided, single submitter. Criteria: GeneDx Variant Classification Process June 2021. Collection method: clinical testing. Allele origin: germline. Affected: yes.
Comment: Not observed at significant frequency in large population cohorts (gnomAD); In silico analysis supports that this missense variant does not alter protein structure/function; Has not been previously published as pathogenic or benign to our knowledge

NM_144508.5(KNL1):c.3020G>A (p.Arg1007His)

Gene: KNL1 (kinetochore scaffold 1; plus strand). Cytogenetic location: 15q15.1.
Variant type: single nucleotide variant.
Coding change: c.3020G>A on transcript NM_144508.5 (MANE Select); coding-DNA position 3020, G replaced by A.
Protein change: p.Arg1007His; replaces arginine 1007 with histidine.
Molecular consequence: missense variant.
Genome position (GRCh38, 1-based): chr15:40,623,284, G>A. VCF-style: chr15-40623284-G-A. GRCh37 (hg19) VCF-style: chr15-40915482-G-A.
Other names: c.3098G>A, p.Arg1033His (NM_170589.5); short protein forms R1007H, R1033H.
Identifiers: ClinVar variation 2663668 (VCV002663668.1), dbSNP rs765503077, ClinGen allele CA7482947.